The following is an entry in ClinVar:

NM_020822.3(KCNT1):c.162G>A (p.Met54Ile)

Gene: KCNT1 (potassium sodium-activated channel subfamily T member 1; plus strand). Cytogenetic location: 9q34.3.
Variant type: single nucleotide variant.
Coding change: c.162G>A on transcript NM_020822.3 (MANE Select); coding-DNA position 162, G replaced by A.
Protein change: p.Met54Ile; replaces methionine 54 with isoleucine.
Molecular consequence: missense variant. On other transcripts: intron variant (1).
Genome position (GRCh38, 1-based): chr9:135,714,628, G>A. VCF-style: chr9-135714628-G-A. GRCh37 (hg19) VCF-style: chr9-138606474-G-A.
Other names: c.110+12260G>A (NM_001272003.2); short protein forms M54I.
Identifiers: ClinVar variation 1311119 (VCV001311119.2), dbSNP rs2131329345, ClinGen allele CA375493287.

ClinVar aggregate classification (germline): Uncertain significance (1 of 4 stars; one submission).

Submission:

GeneDx
Classification: Uncertain significance. Last evaluated: 2020-01-16. Review status: criteria provided, single submitter. Criteria: GeneDx Variant Classification Process June 2021. Collection method: clinical testing. Allele origin: germline. Affected: yes.
Comment: Not observed in large population cohorts (Lek et al., 2016); Has not been previously published as pathogenic or benign to our knowledge; In silico analysis, which includes protein predictors and evolutionary conservation, supports that this variant does not alter protein structure/function